The following is an entry in ClinVar:

NM_000057.4(BLM):c.2519A>C (p.Asp840Ala)

Gene: BLM (BLM RecQ like helicase; plus strand). Cytogenetic location: 15q26.1.
Variant type: single nucleotide variant.
Coding change: c.2519A>C on transcript NM_000057.4 (MANE Select); coding-DNA position 2519, A replaced by C.
Protein change: p.Asp840Ala; replaces aspartic acid 840 with alanine.
Molecular consequence: missense variant.
Genome position (GRCh38, 1-based): chr15:90,769,550, A>C. VCF-style: chr15-90769550-A-C. GRCh37 (hg19) VCF-style: chr15-91312780-A-C.
Other names: c.2519A>C, p.Asp840Ala (NM_001287246.2, NM_001287247.2); c.1394A>C, p.Asp465Ala (NM_001287248.2); short protein forms D465A, D840A.
Identifiers: ClinVar variation 835251 (VCV000835251.10), dbSNP rs1896242514, ClinGen allele CA393845494.

ClinVar aggregate classification (germline): Uncertain significance (1 of 4 stars; one submission).

Conditions:
Bloom syndrome (BLM). Also called: Bloom-Torre-Machacek syndrome. Identifiers: Orphanet 125, MedGen C0005859, MONDO:0008876, OMIM 210900.

Submission:

Labcorp Genetics (formerly Invitae), Labcorp
Classification: Uncertain significance for Bloom syndrome. Last evaluated: 2024-10-15. Review status: criteria provided, single submitter. Criteria: Invitae Variant Classification Sherloc (09022015). Collection method: clinical testing. Allele origin: germline.
Comment: This sequence change replaces aspartic acid, which is acidic and polar, with alanine, which is neutral and non-polar, at codon 840 of the BLM protein (p.Asp840Ala). This variant is not present in population databases (gnomAD no frequency). This variant has not been reported in the literature in individuals affected with BLM-related conditions. ClinVar contains an entry for this variant (Variation ID: 835251). Invitae Evidence Modeling of protein sequence and biophysical properties (such as structural, functional, and spatial information, amino acid conservation, physicochemical variation, residue mobility, and thermodynamic stability) indicates that this missense variant is expected to disrupt BLM protein function with a positive predictive value of 80%. In summary, the available evidence is currently insufficient to determine the role of this variant in disease. Therefore, it has been classified as a Variant of Uncertain Significance.